The following is an entry in ClinVar:

ClinVar aggregate classification (germline): Uncertain significance (1 of 4 stars; one submission).

Conditions:
Ehlers-Danlos syndrome, classic type, 2 (EDSCL2). Also called: Ehlers-Danlos syndrome, type 2; Ehlers-Danlos syndrome type 2 (formerly); Ehlers-Danlos Syndrome, Classic Type, COL5A2-Related. Identifiers: Orphanet 287, Orphanet 90318, MedGen C0268336, MONDO:0019568, OMIM 130010.

Allele frequency attached by ClinVar (database versions not stated): gnomAD exomes below 0.00001.
gnomAD v4.1: 3 of 1,613,936 alleles (0.00019%); highest among the groups gnomAD compares: Non-Finnish European, 0.00025%; no homozygotes.

Submission:

MVZ Medizinische Genetik Mainz
Classification: Uncertain significance for Ehlers-Danlos syndrome, classic type, 2. Last evaluated: 2023-08-29. Review status: criteria provided, single submitter. Criteria: UK Practice Guidelines For Variant Classification V4 01 2020. Collection method: clinical testing. Allele origin: germline. Inheritance: Autosomal dominant inheritance. Affected: yes. Observed: 1 variant allele.
Comment: ACMG Criteria: PP3_MOD,PM2_SUP

NM_000393.5(COL5A2):c.3404A>G (p.Asp1135Gly)

Gene: COL5A2 (collagen type V alpha 2 chain; minus strand). Cytogenetic location: 2q32.2.
Variant type: single nucleotide variant.
Coding change: c.3404A>G on transcript NM_000393.5 (MANE Select); coding-DNA position 3404, A replaced by G.
Protein change: p.Asp1135Gly; replaces aspartic acid 1135 with glycine.
Molecular consequence: missense variant.
Genome position (GRCh38, 1-based): chr2:189,043,218, T>C on the plus strand (A>G on the coding strand, the complement: COL5A2 is on the minus strand). VCF-style: chr2-189043218-T-C. GRCh37 (hg19) VCF-style: chr2-189907944-T-C.
Other names: short protein forms D1135G.
Identifiers: ClinVar variation 3235144 (VCV003235144.1), dbSNP rs2469232429.